The following is an entry in ClinVar:

ClinVar aggregate classification (germline): Benign/Likely benign. Review status: criteria provided, multiple submitters, no conflicts (2 of 4 stars). 6 submissions from 6 submitters: Benign (1); Likely benign (4). 1 of the submissions does not count toward it. Last evaluated 2026-01-28.

Conditions:
VLDLR-related disorder. Also called: VLDLR-related condition.
Cerebellar ataxia, impaired intellectual development, and dysequilibrium syndrome 1. Also called: CEREBELLAR ATAXIA AND MENTAL RETARDATION WITH OR WITHOUT QUADRUPEDAL LOCOMOTION 1; CEREBELLAR ATAXIA, CONGENITAL, AND MENTAL RETARDATION, AUTOSOMAL RECESSIVE; Cerebellar ataxia, intellectual disability, and dysequilibrium syndrome 1; VLDLR Cerebellar Hypoplasia; Cerebellar ataxia, mental retardation, and dysequilibrium syndrome 1; Cerebellar hypoplasia and mental retardation with or without quadrupedal locomotion 1. Identifiers: Orphanet 1766, MedGen C4551552, MONDO:0024542, OMIM 224050.

Allele frequency attached by ClinVar (database versions not stated): ESP Exome Variant Server 0.00138; ExAC 0.00037; gnomAD 0.00116 and 0.00111; gnomAD exomes 0.00029; 1000 Genomes Project 30x 0.00172; TOPMed 0.00117; 1000 Genomes Project 0.00140.
gnomAD v4.1: 364 of 1,613,844 alleles (0.023%); highest among the groups gnomAD compares: African/African-American, 0.39%; no homozygotes.

Submissions (6):

Labcorp Genetics (formerly Invitae), Labcorp
Classification: Benign. Last evaluated: 2026-01-28. Review status: criteria provided, single submitter. Criteria: Invitae Variant Classification Sherloc (09022015). Collection method: clinical testing. Allele origin: germline.

CeGaT Center for Human Genetics Tuebingen
Classification: Likely benign. Last evaluated: 2025-04-01. Review status: criteria provided, single submitter. Criteria: CeGaT Center For Human Genetics Tuebingen Variant Classification Criteria Version 2. Collection method: clinical testing. Allele origin: germline. Affected: yes. Observed: 3 variant alleles.
Comment: VLDLR: BP4, BP7

Blueprint Genetics
Classification: Likely benign. Last evaluated: 2024-07-01. Review status: criteria provided, single submitter. Criteria: ACMG Guidelines, 2015. Collection method: clinical testing. Allele origin: germline.

Fulgent Genetics
Classification: Likely benign for Cerebellar ataxia, impaired intellectual development, and dysequilibrium syndrome 1. Last evaluated: 2022-04-28. Review status: criteria provided, single submitter. Criteria: ACMG Guidelines, 2015. Collection method: clinical testing. Allele origin: unknown.

GeneDx
Classification: Likely benign. Last evaluated: 2020-04-30. Review status: criteria provided, single submitter. Criteria: GeneDx Variant Classification Process June 2021. Collection method: clinical testing. Allele origin: germline. Affected: yes.

PreventionGenetics, part of Exact Sciences
Classification: Likely benign for VLDLR-related condition. Last evaluated: 2019-06-17. Review status: no assertion criteria provided. Collection method: clinical testing. Allele origin: germline. Not counted in ClinVar's aggregate classification.
Comment: This variant is classified as likely benign based on ACMG/AMP sequence variant interpretation guidelines (Richards et al. 2015 PMID: 25741868, with internal and published modifications).

NM_003383.5(VLDLR):c.1074C>T (p.Asn358=)

Gene: VLDLR (very low density lipoprotein receptor; plus strand). Cytogenetic location: 9p24.2.
Variant type: single nucleotide variant.
Coding change: c.1074C>T on transcript NM_003383.5 (MANE Select); coding-DNA position 1074, C replaced by T.
Protein change: p.Asn358=; no amino-acid change (asparagine 358 retained).
Molecular consequence: synonymous variant.
Genome position (GRCh38, 1-based): chr9:2,644,741, C>T. VCF-style: chr9-2644741-C-T. GRCh37 (hg19) VCF-style: chr9-2644741-C-T.
Other names: c.1074C>T, p.Asn358= (NM_001018056.3); c.951C>T, p.Asn317= (NM_001322225.2, NM_001322226.2).
Identifiers: ClinVar variation 751683 (VCV000751683.37), dbSNP rs115059319, ClinGen allele CA4964739.